The following is an entry in ClinVar:

NM_001148.6(ANK2):c.8899C>G (p.Pro2967Ala)

Gene: ANK2 (ankyrin 2; plus strand). Cytogenetic location: 4q26.
Variant type: single nucleotide variant.
Coding change: c.8899C>G on transcript NM_001148.6 (MANE Select); coding-DNA position 8899, C replaced by G.
Protein change: p.Pro2967Ala; replaces proline 2967 with alanine.
Molecular consequence: missense variant. On other transcripts: intron variant (68).
Genome position (GRCh38, 1-based): chr4:113,357,517, C>G. VCF-style: chr4-113357517-C-G. GRCh37 (hg19) VCF-style: chr4-114278673-C-G.
Other names: p.Pro2967Ala; c.8665C>G, p.Pro2889Ala (NM_001386142.1); c.5299C>G, p.Pro1767Ala (NM_001386166.1); c.9040C>G, p.Pro3014Ala (NM_001386174.1); c.9016C>G, p.Pro3006Ala (NM_001386175.1); c.4412-3306C>G (NM_001386186.2, NM_001386148.2); c.4214-3306C>G (NM_001354269.3); c.4292-3306C>G (NM_001386187.2); and 36 more; short protein forms P2889A, P3014A, P1767A, P2967A, P3006A.
Identifiers: ClinVar variation 1765013 (VCV001765013.4), dbSNP rs2505905528, ClinGen allele CA357935780.

ClinVar aggregate classification (germline): Conflicting classifications of pathogenicity. Review status: criteria provided, conflicting classifications (1 of 4 stars). 2 submissions from 2 submitters: Uncertain significance (1); Likely benign (1). Last evaluated 2023-03-06.

Conditions:
Brugada syndrome. Also called: Sudden unexpected nocturnal death syndrome; Sudden unexplained nocturnal death syndrome; Sudden Unexplained Death Syndrome; Sudden Unexplained Nocturnal Death Syndrome (SUNDS). Identifiers: Orphanet 130, MedGen C1142166, MONDO:0015263.
Cardiovascular phenotype. Identifiers: MedGen CN230736.

Allele frequency attached by ClinVar (database versions not stated): gnomAD exomes below 0.00001.
gnomAD v4.1: 1 of 1,614,098 alleles (0.000062%); highest among the groups gnomAD compares: Non-Finnish European, 0.000085%; no homozygotes.

Submissions (2):

Petrovsky National Research Centre of Surgery, The Federal Agency for Scientific Organizations
Classification: Uncertain significance for Brugada syndrome. Last evaluated: 2023-03-06. Review status: criteria provided, single submitter. Criteria: ACMG Guidelines, 2015. Collection method: clinical testing. Allele origin: germline. Affected: yes.
Comment: This variant is absent in The Genome Aggregation Database (gnomAD) v2.1.1 and v3.1.2 (Date of access with 06-03-2023). Clinvar contains an entry for this variant (Variation ID: 1765013). This variant has not been reported in any study to our knowledge. Most in silico predictors show benign result of the protein change. In accordance with ACMG(2015) criteria this variant is classified as Variant of Uncertain Significance (VUS) with following criteria selected: PM2, BP4.

Ambry Genetics
Classification: Likely benign for Cardiovascular phenotype. Last evaluated: 2020-02-21. Review status: criteria provided, single submitter. Criteria: Ambry Variant Classification Scheme 2023. Collection method: clinical testing. Allele origin: germline.